The following is an entry in ClinVar:

NM_005751.5(AKAP9):c.412G>T (p.Glu138Ter)

Gene: AKAP9 (A-kinase anchoring protein 9; plus strand). Cytogenetic location: 7q21.2.
Variant type: single nucleotide variant.
Coding change: c.412G>T on transcript NM_005751.5 (MANE Select); coding-DNA position 412, G replaced by T.
Protein change: p.Glu138Ter; replaces glutamic acid 138 with a stop codon.
Molecular consequence: nonsense.
Genome position (GRCh38, 1-based): chr7:91,992,891, G>T. VCF-style: chr7-91992891-G-T. GRCh37 (hg19) VCF-style: chr7-91622205-G-T.
Other names: c.412G>T, p.Glu138Ter (NM_147185.3); short protein forms E138*.
Identifiers: ClinVar variation 4747782 (VCV004747782.1).

ClinVar aggregate classification (germline): Uncertain significance (1 of 4 stars; one submission).

Conditions:
Long QT syndrome (LQTS). Identifiers: MedGen C0023976, MeSH D008133, MONDO:0002442. Disease mechanism: loss of function. Inheritance: Various modes of inheritance.

gnomAD v4.1: 1 of 1,613,786 alleles (0.000062%); no homozygotes.

Submission:

Labcorp Genetics (formerly Invitae), Labcorp
Classification: Uncertain significance for Long QT syndrome. Last evaluated: 2025-02-05. Review status: criteria provided, single submitter. Criteria: Invitae Variant Classification Sherloc (09022015). Collection method: clinical testing. Allele origin: germline.
Comment: This sequence change creates a premature translational stop signal (p.Glu138*) in the AKAP9 gene. It is expected to result in an absent or disrupted protein product. However, the current clinical and genetic evidence is not sufficient to establish whether loss-of-function variants in AKAP9 cause disease. This variant is not present in population databases (gnomAD no frequency). This variant has not been reported in the literature in individuals affected with AKAP9-related conditions. Algorithms developed to predict the effect of sequence changes on RNA splicing suggest that this variant may create or strengthen a splice site. In summary, the available evidence is currently insufficient to determine the role of this variant in disease. Therefore, it has been classified as a Variant of Uncertain Significance.